The following is an entry in ClinVar:

NM_001048174.2(MUTYH):c.940_962del (p.Cys314fs)

Gene: MUTYH (mutY DNA glycosylase; minus strand). Cytogenetic location: 1p34.1.
Variant type: Deletion.
Coding change: c.940_962del on transcript NM_001048174.2 (MANE Select); coding-DNA positions 940 to 962, 23 bases deleted (TGCCTGCCTCCCTCGGAGCCCTG).
Protein change: p.Cys314fs; shifts the reading frame from cysteine 314.
Molecular consequence: frameshift variant. On other transcripts: non-coding transcript variant (2).
Genome position (GRCh38, 1-based): chr1:45,331,801-45,331,823, CAGGGCTCCGAGGGAGGCAGGCA deleted on the plus strand (TGCCTGCCTCCCTCGGAGCCCTG on the coding strand, the reverse complement: MUTYH is on the minus strand); deleting any 23 consecutive bases within chr1:45,331,801-45,331,827 gives the same sequence; the c. name uses the placement nearest the transcript's 3' end. VCF-style (leftmost placement, unchanged base first): chr1-45331800-CCAGGGCTCCGAGGGAGGCAGGCA-C. GRCh37 (hg19) VCF-style: chr1-45797472-CCAGGGCTCCGAGGGAGGCAGGCA-C.
Other names: c.1024_1046delTGCCTGCCTCCCTCGGAGCCCTG (NM_001128425.1); c.940_962del, p.Cys314fs (NM_001048171.2, NM_001048173.2, NM_001293195.2); c.943_965del, p.Cys315fs (NM_001048172.2); c.1024_1046del, p.Cys342fs (NM_001128425.2); c.985_1007del, p.Cys329fs (NM_001293190.2); c.973_995del, p.Cys325fs (NM_001293191.2); c.664_686del, p.Cys222fs (NM_001293192.2, NM_001293196.2); c.595_617del, p.Cys199fs (NM_001350650.2, NM_001350651.2); and 1 more; short protein forms C222fs, C314fs, C315fs, C329fs, C339fs, C342fs, C199fs, C325fs.
Identifiers: ClinVar variation 533319 (VCV000533319.9), dbSNP rs1553126848, ClinGen allele CA658795451.

ClinVar aggregate classification (germline): Pathogenic/Likely pathogenic. Review status: criteria provided, multiple submitters, no conflicts (2 of 4 stars). 2 submissions from 2 submitters: Pathogenic (1); Likely pathogenic (1). Last evaluated 2025-06-30.

Conditions:
Familial adenomatous polyposis 2. Also called: MUTYH Polyposis; COLORECTAL ADENOMATOUS POLYPOSIS, AUTOSOMAL RECESSIVE; ADENOMAS, MULTIPLE COLORECTAL, AUTOSOMAL RECESSIVE; MUTYH-associated polyposis; MUTYH-related attenuated familial adenomatous polyposis; Adenomas, multiple colorectal. Identifiers: Orphanet 220460, Orphanet 247798, MedGen C3272841, MONDO:0012041, OMIM 608456.

Submissions (2):

Myriad Genetics, Inc.
Classification: Likely pathogenic for Familial adenomatous polyposis 2. Last evaluated: 2025-06-30. Review status: criteria provided, single submitter. Criteria: Myriad Autosomal Dominant, Autosomal Recessive and X-Linked Classification Criteria (2023). Collection method: clinical testing. Allele origin: unknown.
Comment: This variant is considered likely pathogenic. This variant creates a frameshift predicted to result in premature protein truncation.

Labcorp Genetics (formerly Invitae), Labcorp
Classification: Pathogenic for Familial adenomatous polyposis 2. Last evaluated: 2021-05-04. Review status: criteria provided, single submitter. Criteria: Invitae Variant Classification Sherloc (09022015). Collection method: clinical testing. Allele origin: germline.
Comment: For these reasons, this variant has been classified as Pathogenic. Several different frameshift variants downstream of this variant (p.Pro367Glnfs*164, p.Pro405Leufs*123, and p.Ser518Alafs*54) have been determined to be likely pathogenic or pathogenic (Invitae). These truncations disrupts the conserved PCNA binding motif of MUTYH (Gln526-Phe533, also known as Gln512-Phe519 in the literature because of transcript nomenclature differences), which has been shown to be critical for MUTYH-PCNA binding (PMID: 11092888, 26377631). This suggests that disruption of this region of the MUTYH protein is causative of disease. This variant has not been reported in the literature in individuals with MUTYH-related disease. This variant is not present in population databases (ExAC no frequency). This sequence change results in a premature translational stop signal in the MUTYH gene (p.Cys342Glyfs*182). While this is not anticipated to result in nonsense mediated decay, it is expected to disrupt the last 208 amino acids of the MUTYH protein.

Literature cited by the submitters: PubMed 11092888 (cited by Labcorp Genetics (formerly Invitae), Labcorp); PubMed 26377631 (cited by Labcorp Genetics (formerly Invitae), Labcorp).